The following is an entry in ClinVar:

ClinVar aggregate classification (germline): Uncertain significance (1 of 4 stars; one submission).

Conditions:
Hereditary cancer-predisposing syndrome. Also called: Neoplastic Syndromes, Hereditary; Tumor predisposition; Hereditary Cancer Syndrome; Hereditary neoplastic syndrome. Identifiers: Orphanet 140162, MedGen C0027672, MeSH D009386, MONDO:0015356.

Submission:

Color Diagnostics, LLC DBA Color Health
Classification: Uncertain significance for Hereditary cancer-predisposing syndrome. Last evaluated: 2023-05-01. Review status: criteria provided, single submitter. Criteria: ACMG Guidelines, 2015. Collection method: clinical testing. Allele origin: germline.
Comment: This missense variant replaces glycine with valine at codon 247 of the SMAD4 protein. Computational prediction suggests that this variant may not impact protein structure and function (internally defined REVEL score threshold <= 0.5, PMID: 27666373). To our knowledge, functional studies have not been reported for this variant. This variant has not been reported in individuals affected with SMAD4-related disorders in the literature. This variant has not been identified in the general population by the Genome Aggregation Database (gnomAD). The available evidence is insufficient to determine the role of this variant in disease conclusively. Therefore, this variant is classified as a Variant of Uncertain Significance.

NM_005359.6(SMAD4):c.740G>T (p.Gly247Val)

Gene: SMAD4 (SMAD family member 4; plus strand). Cytogenetic location: 18q21.2.
Variant type: single nucleotide variant.
Coding change: c.740G>T on transcript NM_005359.6 (MANE Select); coding-DNA position 740, G replaced by T.
Protein change: p.Gly247Val; replaces glycine 247 with valine.
Molecular consequence: missense variant. On other transcripts: non-coding transcript variant (2).
Genome position (GRCh38, 1-based): chr18:51,058,197, G>T. VCF-style: chr18-51058197-G-T. GRCh37 (hg19) VCF-style: chr18-48584567-G-T.
Other names: c.740G>T, p.Gly247Val (NM_001407041.1, NM_001407042.1, NM_001407043.1); short protein forms G247V.
Identifiers: ClinVar variation 2774523 (VCV002774523.2), dbSNP rs1909893398, ClinGen allele CA402462924.